The following is an entry in ClinVar:

NM_004380.3(CREBBP):c.2780C>T (p.Thr927Ile)

Gene: CREBBP (CREB binding protein; minus strand). Cytogenetic location: 16p13.3.
Variant type: single nucleotide variant.
Coding change: c.2780C>T on transcript NM_004380.3 (MANE Select); coding-DNA position 2780, C replaced by T.
Protein change: p.Thr927Ile; replaces threonine 927 with isoleucine.
Molecular consequence: missense variant.
Genome position (GRCh38, 1-based): chr16:3,770,670, G>A on the plus strand (C>T on the coding strand, the complement: CREBBP is on the minus strand). VCF-style: chr16-3770670-G-A. GRCh37 (hg19) VCF-style: chr16-3820671-G-A.
Other names: c.2666C>T, p.Thr889Ile (NM_001079846.1); short protein forms T889I, T927I.
Identifiers: ClinVar variation 3251272 (VCV003251272.1), dbSNP rs2052980526.

ClinVar aggregate classification (germline): Uncertain significance (1 of 4 stars; one submission).

Allele frequency attached by ClinVar (database versions not stated): gnomAD exomes below 0.00001.
gnomAD v4.1: 3 of 1,614,056 alleles (0.00019%); highest among the groups gnomAD compares: Non-Finnish European, 0.00025%; no homozygotes.

Submission:

Women's Health and Genetics/Laboratory Corporation of America, LabCorp
Classification: Uncertain significance. Last evaluated: 2024-04-15. Review status: criteria provided, single submitter. Criteria: LabCorp Variant Classification Summary - May 2015. Collection method: clinical testing. Allele origin: germline.
Comment: Variant summary: CREBBP c.2780C>T (p.Thr927Ile) results in a non-conservative amino acid change in the encoded protein sequence. Three of five in-silico tools predict a benign effect of the variant on protein function. The variant was absent in 251248 control chromosomes (gnomAD). The available data on variant occurrences in the general population are insufficient to allow any conclusion about variant significance. To our knowledge, no occurrence of c.2780C>T in individuals affected with Rubinstein-Taybi Syndrome and no experimental evidence demonstrating its impact on protein function have been reported. No submitters have cited clinical-significance assessments for this variant to ClinVar. Based on the evidence outlined above, the variant was classified as uncertain significance.